The following is an entry in ClinVar:

NM_014159.7(SETD2):c.6136G>A (p.Gly2046Ser)

Gene: SETD2 (SET domain containing 2, histone lysine methyltransferase; minus strand). Cytogenetic location: 3p21.31.
Variant type: single nucleotide variant.
Coding change: c.6136G>A on transcript NM_014159.7 (MANE Select); coding-DNA position 6136, G replaced by A.
Protein change: p.Gly2046Ser; replaces glycine 2046 with serine.
Molecular consequence: missense variant. On other transcripts: non-coding transcript variant (1).
Genome position (GRCh38, 1-based): chr3:47,062,320, C>T on the plus strand (G>A on the coding strand, the complement: SETD2 is on the minus strand). VCF-style: chr3-47062320-C-T. GRCh37 (hg19) VCF-style: chr3-47103810-C-T.
Other names: c.6004G>A, p.Gly2002Ser (NM_001349370.3); short protein forms G2002S, G2046S.
Identifiers: ClinVar variation 3372904 (VCV003372904.1).
Genomic context (GRCh38, chr3:47,062,320, plus strand): 5'-CTGGGTCTCTCTCTCTTGACCTATTAGGAGTCTTCGGGGCAGGTGTTTGATCTCTGAAGC[C>T]AACAGCATCCCTTCCTCGTTCAGTTGCTAAGGGAAAAGGGTGGTTTGTTTGTTTTTTTTT-3'
Protein context (NP_054878.5, residues 2036-2056): TTTERGRDAV[Gly2046Ser]FRDQTPAPKT

ClinVar aggregate classification (germline): Uncertain significance (1 of 4 stars; one submission).

Submission:

GeneDx
Classification: Uncertain significance. Last evaluated: 2024-04-24. Review status: criteria provided, single submitter. Criteria: GeneDx Variant Classification Process June 2021. Collection method: clinical testing. Allele origin: germline. Affected: yes.
Comment: Not observed at significant frequency in large population cohorts (gnomAD); In silico analysis indicates that this missense variant does not alter protein structure/function; Has not been previously published as pathogenic or benign to our knowledge